The following is an entry in ClinVar:

NM_021968.4(H4C11):c.295T>C (p.Tyr99His)

Gene: H4C11 (H4 clustered histone 11; plus strand). Cytogenetic location: 6p22.1.
Variant type: single nucleotide variant.
Coding change: c.295T>C on transcript NM_021968.4 (MANE Select); coding-DNA position 295, T replaced by C.
Protein change: p.Tyr99His; replaces tyrosine 99 with histidine.
Molecular consequence: missense variant.
Genome position (GRCh38, 1-based): chr6:27,824,419, T>C. VCF-style: chr6-27824419-T-C. GRCh37 (hg19) VCF-style: chr6-27792197-T-C.
Other names: short protein forms Y99H.
Identifiers: ClinVar variation 3235278 (VCV003235278.2), dbSNP rs2481041735, ClinGen allele CA362882270.

ClinVar aggregate classification (germline): Likely pathogenic (1 of 4 stars; one submission).

Submission:

Ambry Genetics
Classification: Likely pathogenic. Last evaluated: 2025-12-20. Review status: criteria provided, single submitter. Criteria: Ambry Variant Classification Scheme 2023. Collection method: clinical testing. Allele origin: germline.
Comment: The c.295T>C (p.Y99H) alteration is located in exon 1 (coding exon 1) of the H4C11 gene. This alteration results from a T to C substitution at nucleotide position 295, causing the tyrosine (Y) at amino acid position 99 to be replaced by a histidine (H). This variant was not reported in population-based cohorts in the Genome Aggregation Database (gnomAD). A variant (c.295T>C, p.Y99H) resulting in the same amino acid substitution in H4C5, a paralog that encodes an identical protein, has been identified in individual(s) with features consistent with H4C5-related Tessadori-van Haaften neurodevelopmental syndrome (Tessadori, 2022). This amino acid position is highly conserved in available vertebrate species. This alteration is predicted to be deleterious by in silico analysis. Based on the available evidence, this alteration is classified as likely pathogenic.

Literature cited by the submitters: PubMed 35202563.